The following is an entry in ClinVar:

NM_001261826.3(AP3D1):c.2296G>A (p.Glu766Lys)

Gene: AP3D1 (adaptor related protein complex 3 subunit delta 1; minus strand). Cytogenetic location: 19p13.3.
Variant type: single nucleotide variant.
Coding change: c.2296G>A on transcript NM_001261826.3 (MANE Select); coding-DNA position 2296, G replaced by A.
Protein change: p.Glu766Lys; replaces glutamic acid 766 with lysine.
Molecular consequence: missense variant.
Genome position (GRCh38, 1-based): chr19:2,115,272, C>T on the plus strand (G>A on the coding strand, the complement: AP3D1 is on the minus strand). VCF-style: chr19-2115272-C-T. GRCh37 (hg19) VCF-style: chr19-2115271-C-T.
Other names: c.2296G>A, p.Glu766Lys (NM_001374799.1, NM_003938.8); short protein forms E766K.
Identifiers: ClinVar variation 4691875 (VCV004691875.1).

ClinVar aggregate classification (germline): Uncertain significance (1 of 4 stars; one submission).

gnomAD v4.1: 5 of 1,613,500 alleles (0.00031%); highest among the groups gnomAD compares: African/African-American, 0.0013%; no homozygotes.

Submission:

Labcorp Genetics (formerly Invitae), Labcorp
Classification: Uncertain significance. Last evaluated: 2025-08-23. Review status: criteria provided, single submitter. Criteria: Invitae Variant Classification Sherloc (09022015). Collection method: clinical testing. Allele origin: germline.
Comment: This sequence change replaces glutamic acid, which is acidic and polar, with lysine, which is basic and polar, at codon 766 of the AP3D1 protein (p.Glu766Lys). This variant is not present in population databases (gnomAD no frequency). This variant has not been reported in the literature in individuals affected with AP3D1-related conditions. An algorithm developed to predict the effect of missense changes on protein structure and function (PolyPhen-2) suggests that this variant is likely to be disruptive. In summary, the available evidence is currently insufficient to determine the role of this variant in disease. Therefore, it has been classified as a Variant of Uncertain Significance.